The following is an entry in ClinVar:

ClinVar aggregate classification (germline): Uncertain significance (1 of 4 stars; one submission).

Conditions:
Hereditary cancer-predisposing syndrome. Also called: Tumor predisposition; Neoplastic Syndromes, Hereditary; Hereditary neoplastic syndrome; Hereditary Cancer Syndrome. Identifiers: Orphanet 140162, MedGen C0027672, MeSH D009386, MONDO:0015356.

Submission:

Ambry Genetics
Classification: Uncertain significance for Hereditary cancer-predisposing syndrome. Last evaluated: 2024-09-08. Review status: criteria provided, single submitter. Criteria: Ambry Variant Classification Scheme 2023. Collection method: clinical testing. Allele origin: germline.
Comment: The p.E233G variant (also known as c.698A>G), located in coding exon 1 of the AXIN2 gene, results from an A to G substitution at nucleotide position 698. The glutamic acid at codon 233 is replaced by glycine, an amino acid with similar properties. This amino acid position is conserved. In addition, the in silico prediction for this alteration is inconclusive. Based on the available evidence, the clinical significance of this variant remains unclear.

NM_004655.4(AXIN2):c.698A>G (p.Glu233Gly)

Gene: AXIN2 (axin 2; minus strand). Cytogenetic location: 17q24.1.
Variant type: single nucleotide variant.
Coding change: c.698A>G on transcript NM_004655.4 (MANE Select); coding-DNA position 698, A replaced by G.
Protein change: p.Glu233Gly; replaces glutamic acid 233 with glycine.
Molecular consequence: missense variant.
Genome position (GRCh38, 1-based): chr17:65,557,923, T>C on the plus strand (A>G on the coding strand, the complement: AXIN2 is on the minus strand). VCF-style: chr17-65557923-T-C. GRCh37 (hg19) VCF-style: chr17-63554041-T-C.
Other names: c.698A>G, p.Glu233Gly (NM_001363813.1); short protein forms E233G.
Identifiers: ClinVar variation 3470359 (VCV003470359.1).